The following is an entry in ClinVar:

ClinVar aggregate classification (germline): Uncertain significance. Review status: criteria provided, multiple submitters, no conflicts (2 of 4 stars). 2 submissions from 2 submitters: Uncertain significance (2). Last evaluated 2025-11-29.

Submissions (2):

Mayo Clinic Laboratories, Mayo Clinic
Classification: Uncertain significance. Last evaluated: 2025-11-29. Review status: criteria provided, single submitter. Criteria: ACMG Guidelines, 2015. Collection method: clinical testing. Allele origin: germline. Observed: 1 variant allele.

Labcorp Genetics (formerly Invitae), Labcorp
Classification: Uncertain significance. Last evaluated: 2025-10-19. Review status: criteria provided, single submitter. Criteria: Invitae Variant Classification Sherloc (09022015). Collection method: clinical testing. Allele origin: germline.
Comment: This sequence change replaces arginine, which is basic and polar, with histidine, which is basic and polar, at codon 524 of the CACNA1D protein (p.Arg524His). This variant is not present in population databases (gnomAD no frequency). This variant has not been reported in the literature in individuals affected with CACNA1D-related conditions. ClinVar contains an entry for this variant (Variation ID: 2906697). Invitae Evidence Modeling of protein sequence and biophysical properties (such as structural, functional, and spatial information, amino acid conservation, physicochemical variation, residue mobility, and thermodynamic stability) indicates that this missense variant is not expected to disrupt CACNA1D protein function with a negative predictive value of 80%. In summary, the available evidence is currently insufficient to determine the role of this variant in disease. Therefore, it has been classified as a Variant of Uncertain Significance.

NM_001128840.3(CACNA1D):c.1511G>A (p.Arg504His)

Gene: CACNA1D (calcium voltage-gated channel subunit alpha1 D; plus strand). Cytogenetic location: 3p21.1.
Variant type: single nucleotide variant.
Coding change: c.1511G>A on transcript NM_001128840.3 (MANE Select); coding-DNA position 1511, G replaced by A.
Protein change: p.Arg504His; replaces arginine 504 with histidine.
Molecular consequence: missense variant.
Genome position (GRCh38, 1-based): chr3:53,722,319, G>A. VCF-style: chr3-53722319-G-A. GRCh37 (hg19) VCF-style: chr3-53756346-G-A.
Other names: p.Arg524His; c.1571G>A, p.Arg524His (NM_000720.4); c.1511G>A, p.Arg504His (NM_001128839.3); short protein forms R504H, R524H.
Identifiers: ClinVar variation 2906697 (VCV002906697.4), dbSNP rs2473680330, ClinGen allele CA353236315.